The following is an entry in ClinVar:

NM_020988.3(GNAO1):c.1011C>T (p.Asp337=)

Gene: GNAO1 (G protein subunit alpha o1; plus strand). Cytogenetic location: 16q13.
Variant type: single nucleotide variant.
Coding change: c.1011C>T on transcript NM_020988.3 (MANE Select); coding-DNA position 1011, C replaced by T.
Protein change: p.Asp337=; no amino-acid change (aspartic acid 337 retained).
Molecular consequence: synonymous variant.
Genome position (GRCh38, 1-based): chr16:56,354,999, C>T. VCF-style: chr16-56354999-C-T. GRCh37 (hg19) VCF-style: chr16-56388911-C-T.
Identifiers: ClinVar variation 1594908 (VCV001594908.33), dbSNP rs375683292, ClinGen allele CA8064035.

ClinVar aggregate classification (germline): Likely benign. Review status: criteria provided, multiple submitters, no conflicts (2 of 4 stars). 2 submissions from 2 submitters: Likely benign (2). Last evaluated 2025-05-01.

Conditions:
Early-infantile DEE. Also called: Early infantile epileptic encephalopathy; Ohtahara syndrome; Early infantile epileptic encephalopathy with suppression bursts. Identifiers: Orphanet 1934, MedGen C0393706, MONDO:0800491.

Allele frequency attached by ClinVar (database versions not stated): gnomAD 0.00001; gnomAD exomes 0.00001 and 0.00005; TOPMed 0.00003; ExAC 0.00008; ESP Exome Variant Server 0.00008.
gnomAD v4.1: 20 of 1,613,402 alleles (0.0012%); highest among the groups gnomAD compares: Admixed American, 0.015%; no homozygotes.

Submissions (2):

CeGaT Center for Human Genetics Tuebingen
Classification: Likely benign. Last evaluated: 2025-05-01. Review status: criteria provided, single submitter. Criteria: CeGaT Center For Human Genetics Tuebingen Variant Classification Criteria Version 2. Collection method: clinical testing. Allele origin: germline. Affected: yes. Observed: 1 variant allele.
Comment: GNAO1: BP4, BP7

Labcorp Genetics (formerly Invitae), Labcorp
Classification: Likely benign for Early-infantile DEE. Last evaluated: 2024-10-28. Review status: criteria provided, single submitter. Criteria: Invitae Variant Classification Sherloc (09022015). Collection method: clinical testing. Allele origin: germline.